The following is an entry in ClinVar:

NM_001184.4(ATR):c.5281G>T (p.Ala1761Ser)

Gene: ATR (ATR checkpoint kinase; minus strand). Cytogenetic location: 3q23.
Variant type: single nucleotide variant.
Coding change: c.5281G>T on transcript NM_001184.4 (MANE Select); coding-DNA position 5281, G replaced by T.
Protein change: p.Ala1761Ser; replaces alanine 1761 with serine.
Molecular consequence: missense variant.
Genome position (GRCh38, 1-based): chr3:142,503,369, C>A on the plus strand (G>T on the coding strand, the complement: ATR is on the minus strand). VCF-style: chr3-142503369-C-A. GRCh37 (hg19) VCF-style: chr3-142222211-C-A.
Other names: c.5281G>T (NM_001184.3); c.5089G>T, p.Ala1697Ser (NM_001354579.2); short protein forms A1761S, A1697S.
Identifiers: ClinVar variation 2833066 (VCV002833066.4), dbSNP rs2032077464, ClinGen allele CA354818247.

ClinVar aggregate classification (germline): Uncertain significance. Review status: criteria provided, multiple submitters, no conflicts (2 of 4 stars). 2 submissions from 2 submitters: Uncertain significance (2). Last evaluated 2024-06-14.

Conditions:
Inborn genetic diseases. Identifiers: MedGen C0950123, MeSH D030342.

Allele frequency attached by ClinVar (database versions not stated): gnomAD exomes below 0.00001.
gnomAD v4.1: 3 of 1,600,044 alleles (0.00019%); highest among the groups gnomAD compares: Non-Finnish European, 0.00026%; no homozygotes.

Submissions (2):

Ambry Genetics
Classification: Uncertain significance for Inborn genetic diseases. Last evaluated: 2024-06-14. Review status: criteria provided, single submitter. Criteria: Ambry Variant Classification Scheme 2023. Collection method: clinical testing. Allele origin: germline.
Comment: The p.A1761S variant (also known as c.5281G>T), located in coding exon 30 of the ATR gene, results from a G to T substitution at nucleotide position 5281. The alanine at codon 1761 is replaced by serine, an amino acid with similar properties. This amino acid position is conserved. In addition, this alteration is predicted to be tolerated by in silico analysis. Based on the available evidence, the clinical significance of this variant remains unclear.

Labcorp Genetics (formerly Invitae), Labcorp
Classification: Uncertain significance. Last evaluated: 2023-01-31. Review status: criteria provided, single submitter. Criteria: Invitae Variant Classification Sherloc (09022015). Collection method: clinical testing. Allele origin: germline.
Comment: This sequence change replaces alanine, which is neutral and non-polar, with serine, which is neutral and polar, at codon 1761 of the ATR protein (p.Ala1761Ser). This variant is not present in population databases (gnomAD no frequency). This variant has not been reported in the literature in individuals affected with ATR-related conditions. Algorithms developed to predict the effect of missense changes on protein structure and function are either unavailable or do not agree on the potential impact of this missense change (SIFT: "Tolerated"; PolyPhen-2: "Possibly Damaging"; Align-GVGD: "Class C0"). In summary, the available evidence is currently insufficient to determine the role of this variant in disease. Therefore, it has been classified as a Variant of Uncertain Significance.